The following is an entry in ClinVar:

NM_002473.6(MYH9):c.3673G>A (p.Glu1225Lys)

Gene: MYH9 (myosin heavy chain 9; minus strand). Cytogenetic location: 22q12.3.
Variant type: single nucleotide variant.
Coding change: c.3673G>A on transcript NM_002473.6 (MANE Select); coding-DNA position 3673, G replaced by A.
Protein change: p.Glu1225Lys; replaces glutamic acid 1225 with lysine.
Molecular consequence: missense variant.
Genome position (GRCh38, 1-based): chr22:36,294,256, C>T on the plus strand (G>A on the coding strand, the complement: MYH9 is on the minus strand). VCF-style: chr22-36294256-C-T. GRCh37 (hg19) VCF-style: chr22-36690302-C-T.
Other names: short protein forms E1225K.
Identifiers: ClinVar variation 1678043 (VCV001678043.5), dbSNP rs770864107, ClinGen allele CA10209598.

ClinVar aggregate classification (germline): Uncertain significance. Review status: criteria provided, multiple submitters, no conflicts (2 of 4 stars). 3 submissions from 3 submitters: Uncertain significance (3). Last evaluated 2025-08-19.

Conditions:
Macrothrombocytopenia and granulocyte inclusions with or without nephritis or sensorineural hearing loss (MATINS). Also called: MYH9-Related Disease (MYH9-RD); MACROTHROMBOCYTOPENIA WITH LEUKOCYTE INCLUSIONS; BLEEDING DISORDER, PLATELET-TYPE, 6; SEBASTIAN PLATELET SYNDROME; MACROTHROMBOCYTOPENIA WITH DISPERSED LEUKOCYTIC INCLUSIONS; MACROTHROMBOCYTOPENIA, NEPHRITIS, AND DEAFNESS. Identifiers: Orphanet 182050, MedGen C5200934, MONDO:0015912, OMIM 155100.
Autosomal dominant nonsyndromic hearing loss 17. Also called: Autosomal dominant nonsyndromic deafness 17; Deafness, autosomal dominant 17. Identifiers: Orphanet 90635, MedGen C1863659, MONDO:0011350, OMIM 603622.

gnomAD v4.1: 75 of 1,614,008 alleles (0.0046%); highest among the groups gnomAD compares: Non-Finnish European, 0.0061%; no homozygotes.

Submissions (3):

Labcorp Genetics (formerly Invitae), Labcorp
Classification: Uncertain significance. Last evaluated: 2025-08-19. Review status: criteria provided, single submitter. Criteria: Invitae Variant Classification Sherloc (09022015). Collection method: clinical testing. Allele origin: germline.
Comment: This sequence change replaces glutamic acid, which is acidic and polar, with lysine, which is basic and polar, at codon 1225 of the MYH9 protein (p.Glu1225Lys). This variant is present in population databases (rs770864107, gnomAD 0.004%). This missense change has been observed in individual(s) with MYH9-related disorders (PMID: 33004838). ClinVar contains an entry for this variant (Variation ID: 1678043). Invitae Evidence Modeling of protein sequence and biophysical properties (such as structural, functional, and spatial information, amino acid conservation, physicochemical variation, residue mobility, and thermodynamic stability) indicates that this missense variant is not expected to disrupt MYH9 protein function with a negative predictive value of 80%. In summary, the available evidence is currently insufficient to determine the role of this variant in disease. Therefore, it has been classified as a Variant of Uncertain Significance.

AiLife Diagnostics
Classification: Uncertain significance. Last evaluated: 2022-03-30. Review status: criteria provided, single submitter. Criteria: ACMG Guidelines, 2015. Collection method: clinical testing. Allele origin: germline. Affected: yes. Observed: 2 variant alleles.

Fulgent Genetics
Classification: Uncertain significance for Macrothrombocytopenia and granulocyte inclusions with or without nephritis or sensorineural hearing loss; Autosomal dominant nonsyndromic hearing loss 17. Last evaluated: 2021-11-17. Review status: criteria provided, single submitter. Criteria: ACMG Guidelines, 2015. Collection method: clinical testing. Allele origin: unknown.

Literature cited by the submitters: PubMed 33004838 (cited by Labcorp Genetics (formerly Invitae), Labcorp and AiLife Diagnostics).